The following is an entry in ClinVar:

NM_000054.7(AVPR2):c.594del (p.Glu198fs)

Gene: AVPR2 (arginine vasopressin receptor 2; plus strand). Cytogenetic location: Xq28.
Variant type: Deletion.
Coding change: c.594del on transcript NM_000054.7 (MANE Select); coding-DNA position 594, one base deleted (G; older notation c.594delG).
Protein change: p.Glu198fs; shifts the reading frame from glutamic acid 198.
Molecular consequence: frameshift variant. On other transcripts: non-coding transcript variant (1).
Genome position (GRCh38, 1-based): chrX:153,906,100, G deleted. VCF-style (leftmost placement, unchanged base first): chrX-153906099-AG-A. GRCh37 (hg19) VCF-style: chrX-153171553-AG-A.
Other names: c.594del, p.Glu198fs (NM_001146151.3); short protein forms E198fs.
Identifiers: ClinVar variation 4879871 (VCV004879871.1).

ClinVar aggregate classification (germline): Pathogenic (1 of 4 stars; one submission).

Conditions:
Diabetes insipidus, nephrogenic, X-linked. Also called: Nephrogenic Diabetes Insipidus, Type I. Identifiers: Orphanet 223, MedGen C1563705, MONDO:0010581, OMIM 304800.

Submission:

MVZ Medizinische Genetik Mainz
Classification: Pathogenic for Diabetes insipidus, nephrogenic, X-linked. Last evaluated: 2026-06-25. Review status: criteria provided, single submitter. Criteria: UK Practice Guidelines For Variant Classification V4 01 2020. Collection method: clinical testing. Allele origin: germline. Inheritance: X-linked recessive inheritance. Affected: yes. Observed: 1 variant allele.
Comment: ACMG Criteria: PVS1,PM2_SUP,PP4